The following is an entry in ClinVar:

NM_016169.4(SUFU):c.1221G>A (p.Thr407=)

Gene: SUFU (SUFU negative regulator of hedgehog signaling; plus strand). Cytogenetic location: 10q24.32.
Variant type: single nucleotide variant.
Coding change: c.1221G>A on transcript NM_016169.4 (MANE Select); coding-DNA position 1221, G replaced by A.
Protein change: p.Thr407=; no amino-acid change (threonine 407 retained).
Molecular consequence: synonymous variant.
Genome position (GRCh38, 1-based): chr10:102,617,353, G>A. VCF-style: chr10-102617353-G-A. GRCh37 (hg19) VCF-style: chr10-104377110-G-A.
Other names: c.1221G>A, p.Thr407= (NM_001178133.2).
Identifiers: ClinVar variation 413909 (VCV000413909.17), dbSNP rs555064651, ClinGen allele CA5667902.

ClinVar aggregate classification (germline): Likely benign. Review status: criteria provided, multiple submitters, no conflicts (2 of 4 stars). 3 submissions from 3 submitters: Likely benign (2). 1 of the submissions does not count toward it. Last evaluated 2025-12-14.

Conditions:
Medulloblastoma (MDB). Also called: Medulloblastoma, somatic; MEDULLOBLASTOMA PREDISPOSITION SYNDROME. Identifiers: Orphanet 616, MedGen C0025149, MeSH D008527, MONDO:0007959, OMIM 155255, HP:0002885.
Gorlin syndrome. Also called: Nevoid Basal Cell Carcinoma Syndrome; Basal cell nevus syndrome. Identifiers: Orphanet 377, MedGen C0004779, MONDO:0007187.
Hereditary cancer-predisposing syndrome. Also called: Tumor predisposition; Neoplastic Syndromes, Hereditary; Hereditary Cancer Syndrome; Hereditary neoplastic syndrome. Identifiers: Orphanet 140162, MedGen C0027672, MeSH D009386, MONDO:0015356.
SUFU-related disorder. Also called: SUFU-related condition; SUFU-related disorders.

Allele frequency attached by ClinVar (database versions not stated): gnomAD 0.00001; ExAC 0.00002; gnomAD exomes 0.00002; TOPMed 0.00002; 1000 Genomes Project 30x 0.00016; 1000 Genomes Project 0.00020.
gnomAD v4.1: 26 of 1,614,230 alleles (0.0016%); highest among the groups gnomAD compares: Middle Eastern, 0.016%; no homozygotes.

Submissions (3):

Labcorp Genetics (formerly Invitae), Labcorp
Classification: Likely benign for Gorlin syndrome; Medulloblastoma. Last evaluated: 2025-12-14. Review status: criteria provided, single submitter. Criteria: Invitae Variant Classification Sherloc (09022015). Collection method: clinical testing. Allele origin: germline.

Ambry Genetics
Classification: Likely benign for Hereditary cancer-predisposing syndrome. Last evaluated: 2018-04-30. Review status: criteria provided, single submitter. Criteria: Ambry Variant Classification Scheme 2023. Collection method: clinical testing. Allele origin: germline.

PreventionGenetics, part of Exact Sciences
Classification: Likely benign for SUFU-related condition. Last evaluated: 2019-05-23. Review status: no assertion criteria provided. Collection method: clinical testing. Allele origin: germline. Not counted in ClinVar's aggregate classification.
Comment: This variant is classified as likely benign based on ACMG/AMP sequence variant interpretation guidelines (Richards et al. 2015 PMID: 25741868, with internal and published modifications).